The following is an entry in ClinVar:

NM_000535.7(PMS2):c.805A>G (p.Ile269Val)

Gene: PMS2 (PMS1 homolog 2, mismatch repair system component; minus strand). Cytogenetic location: 7p22.1.
Variant type: single nucleotide variant.
Coding change: c.805A>G on transcript NM_000535.7 (MANE Select); coding-DNA position 805, A replaced by G.
Protein change: p.Ile269Val; replaces isoleucine 269 with valine.
Molecular consequence: missense variant. On other transcripts: 5 prime UTR variant (2), non-coding transcript variant (1).
Genome position (GRCh38, 1-based): chr7:5,995,632, T>C on the plus strand (A>G on the coding strand, the complement: PMS2 is on the minus strand). VCF-style: chr7-5995632-T-C. GRCh37 (hg19) VCF-style: chr7-6035263-T-C.
Other names: c.400A>G, p.Ile134Val (NM_001322003.2, NM_001322004.2, NM_001322005.2 and 2 more transcripts); c.805A>G, p.Ile269Val (NM_001322006.2, NM_001322014.2); c.487A>G, p.Ile163Val (NM_001322007.2, NM_001322008.2); c.-129A>G (NM_001322011.2, NM_001322012.2); c.232A>G, p.Ile78Val (NM_001322013.2); c.496A>G, p.Ile166Val (NM_001322015.2); short protein forms I269V, I163V, I78V, I134V, I166V.
Identifiers: ClinVar variation 455743 (VCV000455743.15), dbSNP rs1554300825, ClinGen allele CA366743583.
Genomic context (GRCh38, chr7:5,995,632, plus strand): 5'-ACTGTCTGTCTGTTGAACTCCTTCCAACTCCATGCGTGCATTGTGAAATGAAACCTGAGA[T>C]GCTATTCAACATTAATATGGTAAGGGCAGGATTCCAGAGTGAAAGGGATTAGAAATACGA-3'
Protein context (NP_000526.2, residues 259-279): CSDALHNLFY[Ile269Val]SGFISQCTHG

ClinVar aggregate classification (germline): Uncertain significance. Review status: criteria provided, multiple submitters, no conflicts (2 of 4 stars). 3 submissions from 3 submitters: Uncertain significance (3). Last evaluated 2025-08-12.

Conditions:
Mismatch repair cancer syndrome 4. Identifiers: MedGen C5436817, MONDO:0030843, OMIM 619101.
Lynch syndrome. Identifiers: Orphanet 144, MedGen C4552100, MONDO:0005835. Disease mechanism: loss of function.
Hereditary nonpolyposis colorectal neoplasms. Identifiers: MedGen C0009405, MeSH D003123.
Hereditary cancer-predisposing syndrome. Also called: Hereditary Cancer Syndrome; Tumor predisposition; Hereditary neoplastic syndrome; Neoplastic Syndromes, Hereditary. Identifiers: Orphanet 140162, MedGen C0027672, MeSH D009386, MONDO:0015356.

Submissions (3):

Ambry Genetics
Classification: Uncertain significance for Hereditary cancer-predisposing syndrome. Last evaluated: 2025-08-12. Review status: criteria provided, single submitter. Criteria: Ambry Variant Classification Scheme 2023. Collection method: clinical testing. Allele origin: germline.
Comment: The p.I269V variant (also known as c.805A>G), located in coding exon 8 of the PMS2 gene, results from an A to G substitution at nucleotide position 805. The isoleucine at codon 269 is replaced by valine, an amino acid with highly similar properties. This amino acid position is well conserved in available vertebrate species. In addition, the in silico prediction for this alteration is inconclusive. Based on the available evidence, the clinical significance of this variant remains unclear.

Labcorp Genetics (formerly Invitae), Labcorp
Classification: Uncertain significance for Hereditary nonpolyposis colorectal neoplasms. Last evaluated: 2025-07-14. Review status: criteria provided, single submitter. Criteria: Invitae Variant Classification Sherloc (09022015). Collection method: clinical testing. Allele origin: germline.
Comment: This sequence change replaces isoleucine, which is neutral and non-polar, with valine, which is neutral and non-polar, at codon 269 of the PMS2 protein (p.Ile269Val). This variant is not present in population databases (gnomAD no frequency). This variant has not been reported in the literature in individuals affected with PMS2-related conditions. ClinVar contains an entry for this variant (Variation ID: 455743). Invitae Evidence Modeling incorporating data from in vitro experimental studies (internal data) indicates that this missense variant is not expected to disrupt PMS2 function with a negative predictive value of 95%. In summary, the available evidence is currently insufficient to determine the role of this variant in disease. Therefore, it has been classified as a Variant of Uncertain Significance.

GeneDx
Classification: Uncertain significance. Last evaluated: 2024-06-20. Review status: criteria provided, single submitter. Criteria: GeneDx Variant Classification Process June 2021. Collection method: clinical testing. Allele origin: germline. Affected: yes.
Comment: Not observed at significant frequency in large population cohorts (gnomAD); In silico analysis indicates that this missense variant does not alter protein structure/function; Has not been previously published as pathogenic or benign to our knowledge; This variant is associated with the following publications: (PMID: 11574484)